The following is an entry in ClinVar:

NM_000368.5(TSC1):c.2699dup (p.Arg901fs)

Gene: TSC1 (TSC complex subunit 1; minus strand). Cytogenetic location: 9q34.13.
Variant type: Duplication.
Coding change: c.2699dup on transcript NM_000368.5 (MANE Select); coding-DNA position 2699, one base duplicated (A; older notation c.2699dupA).
Protein change: p.Arg901fs; shifts the reading frame from arginine 901.
Molecular consequence: frameshift variant. On other transcripts: non-coding transcript variant (5).
Genome position (GRCh38, 1-based): chr9:132,897,537, T duplicated on the plus strand (A on the coding strand, the reverse complement: TSC1 is on the minus strand). VCF-style (leftmost placement, unchanged base first): chr9-132897536-C-CT. GRCh37 (hg19) VCF-style: chr9-135772923-C-CT.
Other names: c.2696dup, p.Arg900fs (NM_001162426.2, NM_001406597.1, NM_001406598.1 and 2 more transcripts); c.2546dup, p.Arg850fs (NM_001162427.2, NM_001406610.1); c.2336dup, p.Arg780fs (NM_001362177.2, NM_001406614.1, NM_001406615.1 and 4 more transcripts); c.2699dup, p.Arg901fs (NM_001406592.1, NM_001406593.1, NM_001406594.1 and 2 more transcripts); c.2684dup, p.Arg896fs (NM_001406601.1, NM_001406602.1); c.2681dup, p.Arg895fs (NM_001406603.1, NM_001406604.1); c.2657dup, p.Arg887fs (NM_001406605.1, NM_001406606.1, NM_001406607.1); c.2654dup, p.Arg886fs (NM_001406608.1, NM_001406609.1); and 8 more; short protein forms R584fs, R765fs, R850fs, R896fs, R550fs, R766fs, R849fs, R780fs.
Identifiers: ClinVar variation 3654133 (VCV003654133.2).

ClinVar aggregate classification (germline): Pathogenic (1 of 4 stars; one submission).

Conditions:
Tuberous sclerosis 1 (TSC1). Identifiers: Orphanet 805, MedGen C1854465, MONDO:0008612, OMIM 191100.

Submission:

Labcorp Genetics (formerly Invitae), Labcorp
Classification: Pathogenic for Tuberous sclerosis 1. Last evaluated: 2025-06-17. Review status: criteria provided, single submitter. Criteria: Invitae Variant Classification Sherloc (09022015). Collection method: clinical testing. Allele origin: germline.
Comment: This sequence change creates a premature translational stop signal (p.Arg901Glufs*3) in the TSC1 gene. It is expected to result in an absent or disrupted protein product. Loss-of-function variants in TSC1 are known to be pathogenic (PMID: 10227394, 17304050). This variant is not present in population databases (gnomAD no frequency). This variant has not been reported in the literature in individuals affected with TSC1-related conditions. ClinVar contains an entry for this variant (Variation ID: 3654133). For these reasons, this variant has been classified as Pathogenic.

Literature cited by the submitters: PubMed 10227394; PubMed 17304050.